The following is an entry in ClinVar:

NM_006180.6(NTRK2):c.2320T>C (p.Ser774Pro)

Gene: NTRK2 (neurotrophic receptor tyrosine kinase 2; plus strand). Cytogenetic location: 9q21.33.
Variant type: single nucleotide variant.
Coding change: c.2320T>C on transcript NM_006180.6 (MANE Select); coding-DNA position 2320, T replaced by C.
Protein change: p.Ser774Pro; replaces serine 774 with proline.
Molecular consequence: missense variant.
Genome position (GRCh38, 1-based): chr9:85,020,353, T>C. VCF-style: chr9-85020353-T-C. GRCh37 (hg19) VCF-style: chr9-87635268-T-C.
Other names: c.2272T>C, p.Ser758Pro (NM_001018064.3, NM_001369532.1, NM_001369533.1); c.2236T>C, p.Ser746Pro (NM_001369534.1); c.1804T>C, p.Ser602Pro (NM_001369535.1); c.1852T>C, p.Ser618Pro (NM_001369536.1); short protein forms S758P, S618P, S602P, S746P, S774P.
Identifiers: ClinVar variation 4995722 (VCV004995722.1).

ClinVar aggregate classification (germline): Uncertain significance (1 of 4 stars; one submission).

Conditions:
NTRK2-related disorder. Also called: NTRK2-related condition.

Submission:

PreventionGenetics, part of Exact Sciences
Classification: Uncertain significance for NTRK2-related condition. Last evaluated: 2026-03-04. Review status: criteria provided, single submitter. Criteria: ACMG Guidelines, 2015. Collection method: clinical testing. Allele origin: germline.
Comment: The NTRK2 c.2320T>C variant is predicted to result in the amino acid substitution p.Ser774Pro. To our knowledge, this variant has not been reported in the literature or in a large population database (gnomAD), indicating this variant is rare. At this time, the clinical significance of this variant is uncertain due to the absence of conclusive functional and genetic evidence.